The following is an entry in ClinVar:

ClinVar aggregate classification (germline): Pathogenic (1 of 4 stars; one submission).

Allele frequency attached by ClinVar (database versions not stated): ExAC 0.00001.

Submission:

Labcorp Genetics (formerly Invitae), Labcorp
Classification: Pathogenic. Last evaluated: 2022-09-21. Review status: criteria provided, single submitter. Criteria: Invitae Variant Classification Sherloc (09022015). Collection method: clinical testing. Allele origin: germline.
Comment: For these reasons, this variant has been classified as Pathogenic. This variant has not been reported in the literature in individuals affected with ROR2-related conditions. This variant is present in population databases (rs774471352, gnomAD 0.003%). This sequence change creates a premature translational stop signal (p.Gln104*) in the ROR2 gene. It is expected to result in an absent or disrupted protein product. Loss-of-function variants in ROR2 are known to be pathogenic (PMID: 10932186).

Literature cited by the submitters: PubMed 10932186.

NM_004560.4(ROR2):c.310C>T (p.Gln104Ter)

Gene: ROR2 (receptor tyrosine kinase like orphan receptor 2; minus strand). Cytogenetic location: 9q22.31.
Variant type: single nucleotide variant.
Coding change: c.310C>T on transcript NM_004560.4 (MANE Select); coding-DNA position 310, C replaced by T.
Protein change: p.Gln104Ter; replaces glutamine 104 with a stop codon.
Molecular consequence: nonsense.
Genome position (GRCh38, 1-based): chr9:91,757,425, G>A on the plus strand (C>T on the coding strand, the complement: ROR2 is on the minus strand). VCF-style: chr9-91757425-G-A. GRCh37 (hg19) VCF-style: chr9-94519707-G-A.
Other names: c.310C>T, p.Gln104Ter (NM_001318204.2); short protein forms Q104*.
Identifiers: ClinVar variation 1946778 (VCV001946778.5), dbSNP rs774471352, ClinGen allele CA5121065.